The following is an entry in ClinVar:

NM_001035.3(RYR2):c.14808+2T>G

Gene: RYR2 (ryanodine receptor 2; plus strand). Cytogenetic location: 1q43.
Variant type: single nucleotide variant.
Coding change: c.14808+2T>G on transcript NM_001035.3 (MANE Select); the canonical splice donor site of the intron after coding-DNA position 14808, T replaced by G.
Molecular consequence: splice donor variant.
Genome position (GRCh38, 1-based): chr1:237,831,567, T>G. VCF-style: chr1-237831567-T-G. GRCh37 (hg19) VCF-style: chr1-237994867-T-G.
Identifiers: ClinVar variation 927793 (VCV000927793.3), dbSNP rs1663793978, ClinGen allele CA345410001.

ClinVar aggregate classification (germline): Uncertain significance (1 of 4 stars; one submission).

Conditions:
Cardiomyopathy (CMYO). Also called: Cardiomyopathies. Identifiers: Orphanet 167848, MedGen C0878544, MONDO:0004994, HP:0001638. Inheritance: Various modes of inheritance.

Submission:

Color Diagnostics, LLC DBA Color Health
Classification: Uncertain significance for Cardiomyopathy. Last evaluated: 2019-10-07. Review status: criteria provided, single submitter. Criteria: ACMG Guidelines, 2015. Collection method: clinical testing. Allele origin: germline.
Comment: This variant causes a T>G nucleotide substitution at the +2 position of intron 104 of the RYR2 gene. Splice prediction tools suggest that this variant may disrupt splicing. To our knowledge, functional studies have not been performed for this variant. This variant has not been reported in individuals affected with cardiovascular disorders in the literature. This variant has not been identified in the general population by the Genome Aggregation Database (gnomAD). Clinical significance of loss-of-function truncation and splice variants in the RYR2 gene is not clearly established. The available evidence is insufficient to determine the role of this variant in disease conclusively. Therefore, this variant is classified as a Variant of Uncertain Significance.